The following is an entry in ClinVar:

ClinVar aggregate classification (germline): Pathogenic. Review status: criteria provided, single submitter (1 of 4 stars). 2 submissions from 2 submitters: Pathogenic (1). 1 of the submissions does not count toward it. Last evaluated 2025-08-27.

Conditions:
Holt-Oram syndrome (HOS). Also called: TBX5-Related Holt-Oram Syndrome; Ventriculo-radial syndrome; Cardiac-limb syndrome; Heart-hand syndrome, type 1. Identifiers: Orphanet 392, MedGen C0265264, MONDO:0007732, OMIM 142900.
Aortic valve disease 2 (AOVD2). Identifiers: MedGen C3542024, MONDO:0013902, OMIM 614823.

Submissions (2):

Labcorp Genetics (formerly Invitae), Labcorp
Classification: Pathogenic for Aortic valve disease 2. Last evaluated: 2025-08-27. Review status: criteria provided, single submitter. Criteria: Invitae Variant Classification Sherloc (09022015). Collection method: clinical testing. Allele origin: germline.
Comment: This sequence change replaces phenylalanine, which is neutral and non-polar, with valine, which is neutral and non-polar, at codon 232 of the TBX5 protein (p.Phe232Val). This variant is not present in population databases (gnomAD no frequency). This missense change has been observed in individual(s) with clinical features of Holt-Oram syndrome (PMID: 30552424; internal data). In at least one individual the variant was observed to be de novo. ClinVar contains an entry for this variant (Variation ID: 633745). Invitae Evidence Modeling of protein sequence and biophysical properties (such as structural, functional, and spatial information, amino acid conservation, physicochemical variation, residue mobility, and thermodynamic stability) has been performed for this missense variant. However, the output from this modeling did not meet the statistical confidence thresholds required to predict the impact of this variant on TBX5 protein function. This variant disrupts the p.Phe232 amino acid residue in TBX5. Other variant(s) that disrupt this residue have been determined to be pathogenic (PMID: 38336121). This suggests that this residue is clinically significant, and that variants that disrupt this residue are likely to be disease-causing. For these reasons, this variant has been classified as Pathogenic.

Centre de Biologie Pathologie Génétique, Centre Hospitalier Universitaire de Lille
Classification: Uncertain significance for Holt-Oram syndrome. Last evaluated: 2018-06-14. Review status: no assertion criteria provided. Collection method: clinical testing. Allele origin: unknown. Affected: yes. Not counted in ClinVar's aggregate classification.

Literature cited by the submitters: PubMed 30552424 (cited by Labcorp Genetics (formerly Invitae), Labcorp); PubMed 38336121 (cited by Labcorp Genetics (formerly Invitae), Labcorp).

NM_181486.4(TBX5):c.694T>G (p.Phe232Val)

Gene: TBX5 (T-box transcription factor 5; minus strand). Cytogenetic location: 12q24.21.
Variant type: single nucleotide variant.
Coding change: c.694T>G on transcript NM_181486.4 (MANE Select); coding-DNA position 694, T replaced by G.
Protein change: p.Phe232Val; replaces phenylalanine 232 with valine.
Molecular consequence: missense variant.
Genome position (GRCh38, 1-based): chr12:114,385,537, A>C on the plus strand (T>G on the coding strand, the complement: TBX5 is on the minus strand). VCF-style: chr12-114385537-A-C. GRCh37 (hg19) VCF-style: chr12-114823342-A-C.
Other names: c.694T>G, p.Phe232Val (NM_000192.3); c.544T>G, p.Phe182Val (NM_080717.4); short protein forms F232V, F182V.
Identifiers: ClinVar variation 633745 (VCV000633745.3), dbSNP rs1565935405, ClinGen allele CA386859743.